The following is an entry in ClinVar:

NM_001904.4(CTNNB1):c.1135C>T (p.Gln379Ter)

Gene: CTNNB1 (catenin beta 1; plus strand). Cytogenetic location: 3p22.1.
Variant type: single nucleotide variant.
Coding change: c.1135C>T on transcript NM_001904.4 (MANE Select); coding-DNA position 1135, C replaced by T.
Protein change: p.Gln379Ter; replaces glutamine 379 with a stop codon.
Molecular consequence: nonsense.
Genome position (GRCh38, 1-based): chr3:41,233,394, C>T. VCF-style: chr3-41233394-C-T. GRCh37 (hg19) VCF-style: chr3-41274885-C-T.
Other names: c.1135C>T, p.Gln379Ter (NM_001098209.2, NM_001098210.2); c.1114C>T, p.Gln372Ter (NM_001330729.2); short protein forms Q372*, Q379*.
Identifiers: ClinVar variation 3078651 (VCV003078651.1), dbSNP rs2125637783, ClinGen allele CA352232139.

ClinVar aggregate classification (germline): Pathogenic (1 of 4 stars; one submission).

Conditions:
Inborn genetic diseases. Identifiers: MedGen C0950123, MeSH D030342.

Submission:

Ambry Genetics
Classification: Pathogenic for Inborn genetic diseases. Last evaluated: 2023-12-29. Review status: criteria provided, single submitter. Criteria: Ambry Variant Classification Scheme 2023. Collection method: clinical testing. Allele origin: germline.
Comment: The c.1135C>T (p.Q379*) alteration, located in exon 8 (coding exon 7) of the CTNNB1 gene, consists of a C to T substitution at nucleotide position 1135. This changes the amino acid from a glutamine (Q) to a stop codon at amino acid position 379. This alteration is expected to result in loss of function by premature protein truncation or nonsense-mediated mRNA decay. This variant was not reported in population-based cohorts in the Genome Aggregation Database (gnomAD). Based on the available evidence, this alteration is classified as pathogenic.